The following is an entry in ClinVar:

ClinVar aggregate classification (germline): Uncertain significance. Review status: criteria provided, multiple submitters, no conflicts (2 of 4 stars). 4 submissions from 4 submitters: Uncertain significance (4). Last evaluated 2025-12-02.

Conditions:
Hereditary cancer-predisposing syndrome. Also called: Hereditary neoplastic syndrome; Neoplastic Syndromes, Hereditary; Tumor predisposition; Hereditary Cancer Syndrome. Identifiers: Orphanet 140162, MedGen C0027672, MeSH D009386, MONDO:0015356.
Breast-ovarian cancer, familial, susceptibility to, 4. Identifiers: Orphanet 145, MedGen C3280345, MONDO:0013669, OMIM 614291.

Allele frequency attached by ClinVar (database versions not stated): gnomAD exomes below 0.00001.
gnomAD v4.1: 1 of 1,613,418 alleles (0.000062%); highest among the groups gnomAD compares: Middle Eastern, 0.017%; no homozygotes.

Submissions (4):

Ambry Genetics
Classification: Uncertain significance for Hereditary cancer-predisposing syndrome. Last evaluated: 2025-12-02. Review status: criteria provided, single submitter. Criteria: Ambry Variant Classification Scheme 2023. Collection method: clinical testing. Allele origin: germline.
Comment: The p.Q177L variant (also known as c.530A>T), located in coding exon 6 of the RAD51D gene, results from an A to T substitution at nucleotide position 530. The glutamine at codon 177 is replaced by leucine, an amino acid with dissimilar properties. This amino acid position is not well conserved in available vertebrate species. In addition, this alteration is predicted to be tolerated by in silico analysis. Based on the available evidence, the clinical significance of this variant remains unclear.

Labcorp Genetics (formerly Invitae), Labcorp
Classification: Uncertain significance for Breast-ovarian cancer, familial, susceptibility to, 4. Last evaluated: 2024-06-10. Review status: criteria provided, single submitter. Criteria: Invitae Variant Classification Sherloc (09022015). Collection method: clinical testing. Allele origin: germline.
Comment: This sequence change replaces glutamine, which is neutral and polar, with leucine, which is neutral and non-polar, at codon 177 of the RAD51D protein (p.Gln177Leu). This variant is not present in population databases (gnomAD no frequency). This variant has not been reported in the literature in individuals affected with RAD51D-related conditions. ClinVar contains an entry for this variant (Variation ID: 185143). Advanced modeling of protein sequence and biophysical properties (such as structural, functional, and spatial information, amino acid conservation, physicochemical variation, residue mobility, and thermodynamic stability) performed at Invitae indicates that this missense variant is not expected to disrupt RAD51D protein function with a negative predictive value of 80%. In summary, the available evidence is currently insufficient to determine the role of this variant in disease. Therefore, it has been classified as a Variant of Uncertain Significance.

Color Diagnostics, LLC DBA Color Health
Classification: Uncertain significance for Hereditary cancer-predisposing syndrome. Last evaluated: 2024-03-06. Review status: criteria provided, single submitter. Criteria: ACMG Guidelines, 2015. Collection method: clinical testing. Allele origin: germline.
Comment: This missense variant replaces glutamine with leucine at codon 177 of the RAD51D protein. Computational prediction suggests that this variant may not impact protein structure and function (internally defined REVEL score threshold <= 0.5, PMID: 27666373). Splice site prediction tools suggest that this variant may not impact RNA splicing. To our knowledge, functional studies have not been performed for this variant. This variant has not been reported in individuals affected with hereditary cancer in the literature. This variant has not been identified in the general population by the Genome Aggregation Database (gnomAD). The available evidence is insufficient to determine the role of this variant in disease conclusively. Therefore, this variant is classified as a Variant of Uncertain Significance.

Baylor Genetics
Classification: Uncertain significance for Breast-ovarian cancer, familial, susceptibility to, 4. Last evaluated: 2023-09-24. Review status: criteria provided, single submitter. Criteria: ACMG Guidelines, 2015. Collection method: clinical testing. Allele origin: unknown.

NM_002878.4(RAD51D):c.530A>T (p.Gln177Leu)

Genes: RAD51D (RAD51 paralog D; minus strand), RAD51L3-RFFL (RAD51L3-RFFL readthrough; minus strand). Cytogenetic location: 17q12.
Variant type: single nucleotide variant.
Coding change: c.530A>T on transcript NM_002878.4 (MANE Select); coding-DNA position 530, A replaced by T.
Protein change: p.Gln177Leu; replaces glutamine 177 with leucine.
Molecular consequence: missense variant. On other transcripts: non-coding transcript variant (3).
Genome position (GRCh38, 1-based): chr17:35,106,432, T>A on the plus strand (A>T on the coding strand, the complement: RAD51D is on the minus strand). VCF-style: chr17-35106432-T-A. GRCh37 (hg19) VCF-style: chr17-33433451-T-A.
Other names: c.590A>T, p.Gln197Leu (NM_001142571.2); c.194A>T, p.Gln65Leu (NM_133629.3); short protein forms Q177L, Q197L, Q65L.
Identifiers: ClinVar variation 185143 (VCV000185143.17), dbSNP rs786201960, ClinGen allele CA191141.